The following is an entry in ClinVar:

ClinVar aggregate classification (germline): Pathogenic (1 of 4 stars; one submission).

Submission:

Labcorp Genetics (formerly Invitae), Labcorp
Classification: Pathogenic. Last evaluated: 2023-09-20. Review status: criteria provided, single submitter. Criteria: Invitae Variant Classification Sherloc (09022015). Collection method: clinical testing. Allele origin: germline.
Comment: This sequence change creates a premature translational stop signal (p.Gly2856Argfs*30) in the ADGRV1 gene. It is expected to result in an absent or disrupted protein product. Loss-of-function variants in ADGRV1 are known to be pathogenic (PMID: 19357117, 22135276, 22147658, 26226137, 30718709, 31047384, 32467589). This variant is not present in population databases (gnomAD no frequency). This variant has not been reported in the literature in individuals affected with ADGRV1-related conditions. For these reasons, this variant has been classified as Pathogenic.

Literature cited by the submitters: PubMed 19357117; PubMed 22135276; PubMed 22147658; PubMed 26226137; PubMed 30718709; PubMed 31047384; PubMed 32467589.

NM_032119.4(ADGRV1):c.8564dup (p.Gly2856fs)

Gene: ADGRV1 (adhesion G protein-coupled receptor V1; plus strand). Cytogenetic location: 5q14.3.
Variant type: Duplication.
Coding change: c.8564dup on transcript NM_032119.4 (MANE Select); coding-DNA position 8564, one base duplicated (T; older notation c.8564dupT).
Protein change: p.Gly2856fs; shifts the reading frame from glycine 2856.
Molecular consequence: frameshift variant. On other transcripts: non-coding transcript variant (1).
Genome position (GRCh38, 1-based): chr5:90,705,577, T duplicated. VCF-style (leftmost placement, unchanged base first): chr5-90705576-C-CT. GRCh37 (hg19) VCF-style: chr5-90001393-C-CT.
Other names: short protein forms G2856fs.
Identifiers: ClinVar variation 2762081 (VCV002762081.3), dbSNP rs2531082528, ClinGen allele CA2697546304.